The following is an entry in ClinVar:

ClinVar aggregate classification (germline): Conflicting classifications of pathogenicity. Review status: criteria provided, conflicting classifications (1 of 4 stars). 2 submissions from 2 submitters: Uncertain significance (1); Likely benign (1). Last evaluated 2023-06-20.

Conditions:
Cardiovascular phenotype. Identifiers: MedGen CN230736.
Brugada syndrome. Also called: Sudden Unexplained Nocturnal Death Syndrome (SUNDS); Sudden unexpected nocturnal death syndrome; Sudden unexplained nocturnal death syndrome; Sudden Unexplained Death Syndrome. Identifiers: Orphanet 130, MedGen C1142166, MONDO:0015263.

Allele frequency attached by ClinVar (database versions not stated): gnomAD exomes 0.00001; ExAC 0.00003; 1000 Genomes Project 30x 0.00016; 1000 Genomes Project 0.00020.
gnomAD v4.1: 10 of 1,614,006 alleles (0.00062%); highest among the groups gnomAD compares: East Asian, 0.022%; no homozygotes.

Submissions (2):

Labcorp Genetics (formerly Invitae), Labcorp
Classification: Uncertain significance for Brugada syndrome. Last evaluated: 2023-06-20. Review status: criteria provided, single submitter. Criteria: Invitae Variant Classification Sherloc (09022015). Collection method: clinical testing. Allele origin: germline.
Comment: This sequence change replaces leucine, which is neutral and non-polar, with valine, which is neutral and non-polar, at codon 255 of the GPD1L protein (p.Leu255Val). This variant is present in population databases (rs202047839, gnomAD 0.05%). In summary, the available evidence is currently insufficient to determine the role of this variant in disease. Therefore, it has been classified as a Variant of Uncertain Significance. Advanced modeling of protein sequence and biophysical properties (such as structural, functional, and spatial information, amino acid conservation, physicochemical variation, residue mobility, and thermodynamic stability) performed at Invitae indicates that this missense variant is not expected to disrupt GPD1L protein function. ClinVar contains an entry for this variant (Variation ID: 1984232). This variant has not been reported in the literature in individuals affected with GPD1L-related conditions.

Ambry Genetics
Classification: Likely benign for Cardiovascular phenotype. Last evaluated: 2023-05-26. Review status: criteria provided, single submitter. Criteria: Ambry Variant Classification Scheme 2023. Collection method: clinical testing. Allele origin: germline.

NM_015141.4(GPD1L):c.763C>G (p.Leu255Val)

Gene: GPD1L (glycerol-3-phosphate dehydrogenase 1 like; plus strand). Cytogenetic location: 3p22.3.
Variant type: single nucleotide variant.
Coding change: c.763C>G on transcript NM_015141.4 (MANE Select); coding-DNA position 763, C replaced by G.
Protein change: p.Leu255Val; replaces leucine 255 with valine.
Molecular consequence: missense variant.
Genome position (GRCh38, 1-based): chr3:32,159,020, C>G. VCF-style: chr3-32159020-C-G. GRCh37 (hg19) VCF-style: chr3-32200512-C-G.
Other names: short protein forms L255V.
Identifiers: ClinVar variation 1984232 (VCV001984232.6), dbSNP rs202047839, ClinGen allele CA2296737.